The following is an entry in ClinVar:

NM_133379.5(TTN):c.11821C>T (p.Arg3941Cys)

Gene: TTN (titin; minus strand). Cytogenetic location: 2q31.2.
Variant type: single nucleotide variant.
Coding change: c.11821C>T on transcript NM_133379.5; coding-DNA position 11821, C replaced by T.
Protein change: p.Arg3941Cys; replaces arginine 3941 with cysteine.
Molecular consequence: missense variant. On other transcripts: intron variant (6).
Genome position (GRCh38, 1-based): chr2:178,750,579, G>A on the plus strand (C>T on the coding strand, the complement: TTN is on the minus strand). VCF-style: chr2-178750579-G-A. GRCh37 (hg19) VCF-style: chr2-179615306-G-A.
Other names: p.R3941C:CGT>TGT; c.10222+2545C>T (NM_003319.4); c.10798+2545C>T (NM_133437.4); c.10597+2545C>T (NM_133432.3); c.10360+2545C>T (NM_133378.4, NM_001256850.1); c.11311+2545C>T (NM_001267550.2); short protein forms R3941C.
Identifiers: ClinVar variation 47740 (VCV000047740.7), dbSNP rs397517804, ClinGen allele CA141807.

ClinVar aggregate classification (germline): Uncertain significance. Review status: criteria provided, multiple submitters, no conflicts (2 of 4 stars). 2 submissions from 2 submitters: Uncertain significance (2). Last evaluated 2026-01-22.

Allele frequency attached by ClinVar (database versions not stated): gnomAD 0.00002; TOPMed 0.00003.
gnomAD v4.1: 30 of 1,612,266 alleles (0.0019%); highest among the groups gnomAD compares: African/African-American, 0.0067%; no homozygotes.

Submissions (2):

GeneDx
Classification: Uncertain significance. Last evaluated: 2026-01-22. Review status: criteria provided, single submitter. Criteria: GeneDx Variant Classification Process June 2021. Collection method: clinical testing. Allele origin: germline. Affected: yes.
Comment: Not observed at significant frequency in large population cohorts (gnomAD); Missense variant in a gene in which most reported pathogenic variants are truncating/loss of function; Has not been previously published as pathogenic or benign to our knowledge

Laboratory for Molecular Medicine, Mass General Brigham Personalized Medicine
Classification: Uncertain significance. Last evaluated: 2013-09-27. Review status: criteria provided, single submitter. Criteria: LMM Criteria. Collection method: clinical testing. Allele origin: germline. Observed: 2 variant alleles.
Comment: The Arg3941Cys variant in TTN has now been identified by our laboratory in 2 ind ividuals, 1 adult with VT and possible diagnosis of DCM/ARVC and 1 teenager with SCD and features of HCM. Data from large population studies is insufficient to assess the frequency of this variant and computational analyses are limited or u navailable for this variant. At this time, additional information is needed to f ully assess the clinical significance of this variant.